The following is an entry in ClinVar:

NM_018255.4(ELP2):c.1700G>A (p.Gly567Asp)

Gene: ELP2 (elongator acetyltransferase complex subunit 2; plus strand). Cytogenetic location: 18q12.2.
Variant type: single nucleotide variant.
Coding change: c.1700G>A on transcript NM_018255.4 (MANE Select); coding-DNA position 1700, G replaced by A.
Protein change: p.Gly567Asp; replaces glycine 567 with aspartic acid.
Molecular consequence: missense variant. On other transcripts: non-coding transcript variant (4).
Genome position (GRCh38, 1-based): chr18:36,160,943, G>A. VCF-style: chr18-36160943-G-A. GRCh37 (hg19) VCF-style: chr18-33740906-G-A.
Other names: c.1895G>A, p.Gly632Asp (NM_001242875.3); c.1685G>A, p.Gly562Asp (NM_001242876.3); c.1622G>A, p.Gly541Asp (NM_001242877.3); c.1490G>A, p.Gly497Asp (NM_001242878.3, NM_001242879.3); c.1568G>A, p.Gly523Asp (NM_001324465.2); c.1817G>A, p.Gly606Asp (NM_001324466.2); c.1550G>A, p.Gly517Asp (NM_001324467.2); c.1253G>A, p.Gly418Asp (NM_001324468.2); short protein forms G418D, G497D, G517D, G523D, G541D, G562D, G567D, G606D.
Identifiers: ClinVar variation 2572299 (VCV002572299.1), dbSNP rs1303852794, ClinGen allele CA402214878.

ClinVar aggregate classification (germline): Uncertain significance (1 of 4 stars; one submission).

Allele frequency attached by ClinVar (database versions not stated): TOPMed below 0.00001; gnomAD 0.00001.

Submission:

Greenwood Genetic Center Diagnostic Laboratories, Greenwood Genetic Center
Classification: Uncertain significance. Last evaluated: 2023-06-27. Review status: criteria provided, single submitter. Criteria: ACMG Guidelines, 2015. Collection method: clinical testing. Allele origin: germline. Affected: yes.
Comment: PM2, PM3, PP3